The following is an entry in ClinVar:

NM_001318852.2(MAPK8IP3):c.1074C>G (p.Thr358=)

Gene: MAPK8IP3 (mitogen-activated protein kinase 8 interacting protein 3; plus strand). Cytogenetic location: 16p13.3.
Variant type: single nucleotide variant.
Coding change: c.1074C>G on transcript NM_001318852.2 (MANE Select); coding-DNA position 1074, C replaced by G.
Protein change: p.Thr358=; no amino-acid change (threonine 358 retained).
Molecular consequence: synonymous variant.
Genome position (GRCh38, 1-based): chr16:1,748,323, C>G. VCF-style: chr16-1748323-C-G. GRCh37 (hg19) VCF-style: chr16-1798324-C-G.
Other names: c.1071C>G, p.Thr357= (NM_001040439.2, NM_015133.5, NM_033392.3).
Identifiers: ClinVar variation 2645914 (VCV002645914.24), dbSNP rs762990993, ClinGen allele CA7816586.
Genomic context (GRCh38, chr16:1,748,323, plus strand): 5'-GTGGTCTGATGTTCAAGACATTATTGACTCCACGCCAGAGCTGGACATGTGTCCAGAGAC[C>G]CGCCTGGACCGCACAGGAAGCAGGTACTGGCTCAGCCCAGGCCCTGGGGTCCTGGGGGCT-3'
Protein context (NP_001305781.1, residues 348-368): STPELDMCPE[Thr358=]RLDRTGSSPT

ClinVar aggregate classification (germline): Likely benign (1 of 4 stars; one submission).

Allele frequency attached by ClinVar (database versions not stated): ExAC 0.00001; gnomAD 0.00003; gnomAD exomes 0.00003.
gnomAD v4.1: 52 of 1,613,662 alleles (0.0032%); highest among the groups gnomAD compares: Non-Finnish European, 0.004%; no homozygotes.

Submission:

CeGaT Center for Human Genetics Tuebingen
Classification: Likely benign. Last evaluated: 2022-07-01. Review status: criteria provided, single submitter. Criteria: CeGaT Center For Human Genetics Tuebingen Variant Classification Criteria Version 2. Collection method: clinical testing. Allele origin: germline. Affected: yes. Observed: 1 variant allele.
Comment: MAPK8IP3: BP4, BP7